The following is an entry in ClinVar:

ClinVar aggregate classification (germline): Uncertain significance. Review status: criteria provided, multiple submitters, no conflicts (2 of 4 stars). 2 submissions from 2 submitters: Uncertain significance (2). Last evaluated 2024-05-13.

Allele frequency attached by ClinVar (database versions not stated): gnomAD 0.00004; TOPMed 0.00007; ExAC 0.00008; gnomAD exomes 0.00010; ESP Exome Variant Server 0.00017.

Submissions (2):

Ambry Genetics
Classification: Uncertain significance. Last evaluated: 2024-05-13. Review status: criteria provided, single submitter. Criteria: Ambry Variant Classification Scheme 2023. Collection method: clinical testing. Allele origin: germline.

Labcorp Genetics (formerly Invitae), Labcorp
Classification: Uncertain significance. Last evaluated: 2023-05-08. Review status: criteria provided, single submitter. Criteria: Invitae Variant Classification Sherloc (09022015). Collection method: clinical testing. Allele origin: germline.
Comment: This sequence change replaces glycine, which is neutral and non-polar, with serine, which is neutral and polar, at codon 114 of the RBM48 protein (p.Gly114Ser). This variant is present in population databases (rs368019384, gnomAD 0.09%), and has an allele count higher than expected for a pathogenic variant. This variant has not been reported in the literature in individuals affected with RBM48-related conditions. ClinVar contains an entry for this variant (Variation ID: 1979802). Advanced modeling of protein sequence and biophysical properties (such as structural, functional, and spatial information, amino acid conservation, physicochemical variation, residue mobility, and thermodynamic stability) performed at Invitae indicates that this missense variant is expected to disrupt RBM48 protein function. In summary, the available evidence is currently insufficient to determine the role of this variant in disease. Therefore, it has been classified as a Variant of Uncertain Significance.

NM_032120.4(RBM48):c.340G>A (p.Gly114Ser)

Gene: RBM48 (RNA binding motif protein 48; plus strand). Cytogenetic location: 7q21.2.
Variant type: single nucleotide variant.
Coding change: c.340G>A on transcript NM_032120.4 (MANE Select); coding-DNA position 340, G replaced by A.
Protein change: p.Gly114Ser; replaces glycine 114 with serine.
Molecular consequence: missense variant. On other transcripts: 5 prime UTR variant (1).
Genome position (GRCh38, 1-based): chr7:92,532,441, G>A. VCF-style: chr7-92532441-G-A. GRCh37 (hg19) VCF-style: chr7-92161755-G-A.
Other names: c.340G>A (NM_032120.2); c.340G>A, p.Gly114Ser (NM_001363366.1); c.-350G>A (NM_001363367.1); short protein forms G114S.
Identifiers: ClinVar variation 1979802 (VCV001979802.5), dbSNP rs368019384, ClinGen allele CA4341836.